The following is an entry in ClinVar:

NM_001330078.2(NRXN1):c.3365-110728T>A

Gene: NRXN1 (neurexin 1; minus strand). Cytogenetic location: 2p16.3.
Variant type: single nucleotide variant.
Coding change: c.3365-110728T>A on transcript NM_001330078.2 (MANE Select); 110728 bases into the intron before coding-DNA position 3365, T replaced by A.
Molecular consequence: intron variant. On other transcripts: 5 prime UTR variant (4).
Genome position (GRCh38, 1-based): chr2:50,347,698, A>T on the plus strand (T>A on the coding strand, the complement: NRXN1 is on the minus strand). VCF-style: chr2-50347698-A-T. GRCh37 (hg19) VCF-style: chr2-50574836-A-T.
Other names: c.3485-110728T>A (NM_001135659.3); c.-749T>A (NM_001330091.2, NM_001330092.2, NM_001330097.2 and 1 more transcripts); c.3254-110728T>A (NM_001330096.2, NM_001330087.2); c.3299-110728T>A (NM_001330083.2, NM_001330084.2); c.3284-110728T>A (NM_001330088.2); c.3362-110728T>A (NM_001330093.2); c.3353-110728T>A (NM_001330094.2); c.3314-110728T>A (NM_001330095.2); and 3 more.
Identifiers: ClinVar variation 670922 (VCV000670922.2), dbSNP rs116199888, ClinGen allele CA47914420.
Genomic context (GRCh38, chr2:50,347,698, plus strand): 5'-GGAAGAGTGCGCCCTTCTGAAGGAAGTGGGAATCGAACGGCGGAAAGGCAGCTGAGAAGA[A>T]GATGCAGACGAAGGAGTAAGGGAGAGAAACAGAAAAAGAAAAAGAAAAAGAAAAAAAGAA-3'

ClinVar aggregate classification (germline): Likely benign. Review status: criteria provided, multiple submitters, no conflicts (2 of 4 stars). 2 submissions from 2 submitters: Likely benign (2). Last evaluated 2018-06-19.

Allele frequency attached by ClinVar (database versions not stated): 1000 Genomes Project 30x 0.02452; 1000 Genomes Project 0.02476; gnomAD 0.03149 and 0.03235; TOPMed 0.03247; gnomAD exomes 0.04066.
gnomAD v4.1: 39,076 of 987,332 alleles (4%); highest among the groups gnomAD compares: Middle Eastern, 12%; 871 homozygotes.

Submissions (2):

GeneDx
Classification: Likely benign. Last evaluated: 2018-06-19. Review status: criteria provided, single submitter. Criteria: GeneDx Variant Classification (06012015). Collection method: clinical testing. Allele origin: germline. Affected: yes.
Comment: This variant is considered likely benign or benign based on one or more of the following criteria: it is a conservative change, it occurs at a poorly conserved position in the protein, it is predicted to be benign by multiple in silico algorithms, and/or has population frequency not consistent with disease.

Breakthrough Genomics
Classification: Likely benign. Review status: criteria provided, single submitter. Criteria: ACMG Guidelines, 2015. Collection method: not provided. Allele origin: germline. Inheritance: Autosomal recessive inheritance. Affected: yes.